The following is an entry in ClinVar:

NC_000002.11:g.(?_202568825)_(202633608_?)dup

Gene: ALS2 (alsin Rho guanine nucleotide exchange factor ALS2; minus strand). Cytogenetic location: 2q33.1.
Variant type: Duplication.
Identifiers: ClinVar variation 3247248 (VCV003247248.1).

ClinVar aggregate classification (germline): Uncertain significance (1 of 4 stars; one submission).

Conditions:
Infantile-onset ascending hereditary spastic paralysis (IAHSP). Also called: Infantile-Onset Ascending Hereditary Spastic Paralysis (IAHSP); Autosomal Recessive Juvenile Amyotrophic Lateral Sclerosis. Identifiers: Orphanet 293168, MedGen C2931441, MONDO:0011797, OMIM 607225. Disease mechanism: loss of function.

Submission:

Labcorp Genetics (formerly Invitae), Labcorp
Classification: Uncertain significance for Infantile-onset ascending hereditary spastic paralysis. Last evaluated: 2023-01-27. Review status: criteria provided, single submitter. Criteria: Invitae Variant Classification Sherloc (09022015). Collection method: clinical testing. Allele origin: unknown.
Comment: In summary, the available evidence is currently insufficient to determine the role of this variant in disease. Therefore, it has been classified as a Variant of Uncertain Significance. This variant has not been reported in the literature in individuals affected with ALS2-related conditions. This variant results in a copy number gain of the genomic region encompassing exon(s) 2-33 of the ALS2 gene. This region includes the initiator codon of the gene. This copy number gain extends beyond the assayed region for this gene and therefore may encompass additional genes. As the precise location of this event is unknown, it may be in tandem or it may be located elsewhere in the genome.